The following is an entry in ClinVar:

NM_000543.5(SMPD1):c.509G>A (p.Trp170Ter)

Gene: SMPD1 (sphingomyelin phosphodiesterase 1; plus strand). Cytogenetic location: 11p15.4.
Variant type: single nucleotide variant.
Coding change: c.509G>A on transcript NM_000543.5 (MANE Select); coding-DNA position 509, G replaced by A.
Protein change: p.Trp170Ter; replaces tryptophan 170 with a stop codon.
Molecular consequence: nonsense. On other transcripts: 5 prime UTR variant (1), non-coding transcript variant (1).
Genome position (GRCh38, 1-based): chr11:6,391,574, G>A. VCF-style: chr11-6391574-G-A. GRCh37 (hg19) VCF-style: chr11-6412804-G-A.
Other names: c.506G>A, p.Trp169Ter (NM_001007593.3); c.509G>A, p.Trp170Ter (NM_001318087.2, NM_001365135.2); c.-453G>A (NM_001318088.2); short protein forms W170*, W169*.
Identifiers: ClinVar variation 529233 (VCV000529233.16), dbSNP rs1554934193, ClinGen allele CA379369722.

ClinVar aggregate classification (germline): Pathogenic. Review status: criteria provided, multiple submitters, no conflicts (2 of 4 stars). 4 submissions from 4 submitters: Pathogenic (3). 1 of the submissions does not count toward it. Last evaluated 2024-11-14.

Conditions:
Niemann-Pick disease, type B. Also called: Chronic Visceral ASMD (Niemann-Pick Disease Type B; NPD-B). Identifiers: Orphanet 77293, MedGen C0268243, MONDO:0011871, OMIM 607616. Disease mechanism: loss of function.
Niemann-Pick disease, type A. Also called: SPHINGOMYELIN LIPIDOSIS; SPHINGOMYELINASE DEFICIENCY; Infantile Neurovisceral ASMD (Niemann-Pick Disease Type A; NPD-A). Identifiers: Orphanet 77292, MedGen C0268242, MONDO:0009756, OMIM 257200. Disease mechanism: loss of function.

Allele frequency attached by ClinVar (database versions not stated): gnomAD exomes below 0.00001.
gnomAD v4.1: 1 of 1,613,010 alleles (0.000062%); highest among the groups gnomAD compares: African/African-American, 0.0013%; no homozygotes.

Submissions (4):

GeneDx
Classification: Pathogenic. Last evaluated: 2024-11-14. Review status: criteria provided, single submitter. Criteria: GeneDx Variant Classification Process June 2021. Collection method: clinical testing. Allele origin: germline. Affected: yes.
Comment: Nonsense variant predicted to result in protein truncation or nonsense mediated decay in a gene for which loss of function is a known mechanism of disease; Not observed at significant frequency in large population cohorts (gnomAD); This variant is associated with the following publications: (PMID: 25525159, 19405096)

Labcorp Genetics (formerly Invitae), Labcorp
Classification: Pathogenic for Niemann-Pick disease, type B; Niemann-Pick disease, type A. Last evaluated: 2018-08-06. Review status: criteria provided, single submitter. Criteria: Invitae Variant Classification Sherloc (09022015). Collection method: clinical testing. Allele origin: germline.
Comment: This sequence change creates a premature translational stop signal (p.Trp170*) in the SMPD1 gene. It is expected to result in an absent or disrupted protein product. For these reasons, this variant has been classified as Pathogenic. Loss-of-function variants in SMPD1 are known to be pathogenic (PMID: 12369017, 15221801). This variant has been observed to be homozygous in an individual affected with Niemann-Pick type A (PMID: 19405096). This variant is also known as p.W168X in the literature. ClinVar contains an entry for this variant (Variation ID: 529233). This variant is not present in population databases (ExAC no frequency).

Baylor Genetics
Classification: Pathogenic for Niemann-Pick disease, type A. Review status: criteria provided, single submitter. Criteria: ACMG Guidelines, 2015. Collection method: clinical testing. Allele origin: germline.

Natera, Inc.
Classification: Pathogenic for Niemann-Pick Disease, Types A/B. Last evaluated: 2017-03-17. Review status: no assertion criteria provided. Collection method: clinical testing. Allele origin: germline. Not counted in ClinVar's aggregate classification.

Literature cited by the submitters: PubMed 12369017 (cited by Labcorp Genetics (formerly Invitae), Labcorp); PubMed 15221801 (cited by Labcorp Genetics (formerly Invitae), Labcorp); PubMed 19405096 (cited by Labcorp Genetics (formerly Invitae), Labcorp).